The following is an entry in ClinVar:

ClinVar aggregate classification (germline): Likely pathogenic (1 of 4 stars; one submission).

Submission:

Athena Diagnostics
Classification: Likely pathogenic. Last evaluated: 2022-03-08. Review status: criteria provided, single submitter. Criteria: Athena Diagnostics Criteria. Collection method: clinical testing. Allele origin: unknown.
Comment: This variant is expected to result in the loss of a functional protein. The frequency of this variant in the general population is consistent with pathogenicity.

NM_001127222.2(CACNA1A):c.2896del (p.Glu966fs)

Gene: CACNA1A (calcium voltage-gated channel subunit alpha1 A; minus strand). Cytogenetic location: 19p13.13.
Variant type: Deletion.
Coding change: c.2896del on transcript NM_001127222.2 (MANE Select); coding-DNA position 2896, one base deleted (G; older notation c.2896delG).
Protein change: p.Glu966fs; shifts the reading frame from glutamic acid 966.
Molecular consequence: frameshift variant.
Genome position (GRCh38, 1-based): chr19:13,298,737, C deleted on the plus strand (G on the coding strand, the reverse complement: CACNA1A is on the minus strand); the first of 4 consecutive C bases (chr19:13,298,737-13,298,740); deleting any one gives the same sequence. VCF-style (leftmost placement, unchanged base first): chr19-13298736-TC-T. GRCh37 (hg19) VCF-style: chr19-13409550-TC-T.
Other names: c.2908del, p.Glu970fs (NM_000068.4, NM_023035.3); c.2899del, p.Glu967fs (NM_001127221.2, NM_001174080.2); short protein forms E966fs, E967fs, E970fs.
Identifiers: ClinVar variation 1806882 (VCV001806882.1), dbSNP rs1488991121, ClinGen allele CA632123092.